The following continues an entry in ClinVar:

NM_007294.4(BRCA1):c.5297T>G (p.Ile1766Ser)

Gene: BRCA1. ClinVar aggregate classification (germline): Pathogenic. Pathogenic (1).

Submissions 9 to 13 of 13:

Consortium of Investigators of Modifiers of BRCA1/2 (CIMBA), c/o University of Cambridge
Classification: Pathogenic for Breast-ovarian cancer, familial, susceptibility to, 1. Last evaluated: 2015-10-02. Review status: criteria provided, single submitter. Criteria: CIMBA Mutation Classification guidelines May 2016. Collection method: clinical testing. Allele origin: germline. Not counted in ClinVar's aggregate classification.

Research Molecular Genetics Laboratory, Women's College Hospital, University of Toronto
Classification: Pathogenic for Hereditary breast ovarian cancer syndrome. Last evaluated: 2014-01-31. Review status: no assertion criteria provided. Collection method: research. Allele origin: germline. Affected: yes. Study: The Canadian Open Genetics Repository (COGR). Not counted in ClinVar's aggregate classification.

Sharing Clinical Reports Project (SCRP)
Classification: Pathogenic for Breast-ovarian cancer, familial 1. Last evaluated: 2010-04-09. Review status: no assertion criteria provided. Collection method: clinical testing. Allele origin: germline. Not counted in ClinVar's aggregate classification.

Breast Cancer Information Core (BIC) (BRCA1)
Classification: Uncertain significance for Breast-ovarian cancer, familial 1. Last evaluated: 2004-02-20. Review status: no assertion criteria provided. Collection method: clinical testing. Allele origin: germline. Affected: yes. Observed: 7 variant alleles. Not counted in ClinVar's aggregate classification.

Brotman Baty Institute, University of Washington
No classification provided (evidence only). Condition: Breast-ovarian cancer, familial 1. Review status: no classification provided. Collection method: in vitro. Allele origin: not applicable. Functional consequence: functionally_abnormal. Not counted in ClinVar's aggregate classification.
ClinVar note: "not provided" was previously submitted as the classification for the variant. However, the classification appeared to be based only on an observation of functional data so it was converted to no classification on 2025-07-30.

Literature cited by the submitters: PubMed 21990134 (cited by 4 submitters); PubMed 37719058 (cited by Quest Diagnostics Nichols Institute San Juan Capistrano); PubMed 32546644 (cited by Quest Diagnostics Nichols Institute San Juan Capistrano); PubMed 34072659 (cited by Quest Diagnostics Nichols Institute San Juan Capistrano); PubMed 30209399 (cited by 3 submitters); PubMed 29446198 (cited by Quest Diagnostics Nichols Institute San Juan Capistrano and Women's Health and Genetics/Laboratory Corporation of America, LabCorp); PubMed 21447777 (cited by Quest Diagnostics Nichols Institute San Juan Capistrano and Ambry Genetics); PubMed 15235020 (cited by Quest Diagnostics Nichols Institute San Juan Capistrano and Ambry Genetics); PubMed 15172985 (cited by Quest Diagnostics Nichols Institute San Juan Capistrano); PubMed 28781887 (cited by Quest Diagnostics Nichols Institute San Juan Capistrano); PubMed 27272900 (cited by Quest Diagnostics Nichols Institute San Juan Capistrano and Women's Health and Genetics/Laboratory Corporation of America, LabCorp); PubMed 18680205 (cited by 4 submitters); PubMed 19493677 (cited by 3 submitters); PubMed 17305420 (cited by 3 submitters); PubMed 20516115 (cited by 3 submitters); PubMed 17308087 (cited by 4 submitters); PubMed 16528612 (cited by Quest Diagnostics Nichols Institute San Juan Capistrano and Labcorp Genetics (formerly Invitae), Labcorp); PubMed 14534301 (cited by Quest Diagnostics Nichols Institute San Juan Capistrano and Labcorp Genetics (formerly Invitae), Labcorp); PubMed 20737206 (cited by 3 submitters); PubMed 17924331 (cited by 3 submitters); PubMed 30765603 (cited by Quest Diagnostics Nichols Institute San Juan Capistrano and Labcorp Genetics (formerly Invitae), Labcorp); PubMed 33087888 (cited by Quest Diagnostics Nichols Institute San Juan Capistrano); PubMed 18951461 (cited by Ambry Genetics); PubMed 25782689 (cited by Ambry Genetics); PubMed 16267036 (cited by Women's Health and Genetics/Laboratory Corporation of America, LabCorp).